The following is an entry in ClinVar:

ClinVar aggregate classification (germline): Uncertain significance. Review status: criteria provided, multiple submitters, no conflicts (2 of 4 stars). 3 submissions from 3 submitters: Uncertain significance (3). Last evaluated 2024-10-14.

Conditions:
Retinal dystrophy. Also called: Inherited retinal dystrophy. Identifiers: Orphanet 71862, MedGen C0854723, MeSH D058499, MONDO:0019118, HP:0000556.

Allele frequency attached by ClinVar (database versions not stated): gnomAD 0.00001; gnomAD exomes 0.00001; ExAC 0.00002.

Submissions (3):

Labcorp Genetics (formerly Invitae), Labcorp
Classification: Uncertain significance. Last evaluated: 2024-10-14. Review status: criteria provided, single submitter. Criteria: Invitae Variant Classification Sherloc (09022015). Collection method: clinical testing. Allele origin: germline.
Comment: This sequence change replaces glutamic acid, which is acidic and polar, with lysine, which is basic and polar, at codon 13 of the C8orf37 protein (p.Glu13Lys). This variant is present in population databases (rs758143646, gnomAD 0.01%). This variant has not been reported in the literature in individuals affected with C8orf37-related conditions. ClinVar contains an entry for this variant (Variation ID: 1681157). An algorithm developed to predict the effect of missense changes on protein structure and function (PolyPhen-2) suggests that this variant is likely to be disruptive. In summary, the available evidence is currently insufficient to determine the role of this variant in disease. Therefore, it has been classified as a Variant of Uncertain Significance.

Dept Of Ophthalmology, Nagoya University
Classification: Uncertain significance for Retinal dystrophy. Last evaluated: 2023-10-01. Review status: criteria provided, single submitter. Criteria: Submitter's publication. Collection method: research. Allele origin: germline. Affected: yes.

Blueprint Genetics
Classification: Uncertain significance. Last evaluated: 2017-08-02. Review status: criteria provided, single submitter. Criteria: ACMG Guidelines, 2015. Collection method: clinical testing. Allele origin: germline.

NM_177965.4(CFAP418):c.37G>A (p.Glu13Lys)

Genes: CFAP418 (cilia and flagella associated protein 418; minus strand), CFAP418-AS1 (CFAP418 antisense RNA 1; plus strand), LOC130000784 (ATAC-STARR-seq lymphoblastoid active region 27655; plus strand). Cytogenetic location: 8q22.1.
Variant type: single nucleotide variant.
Coding change: c.37G>A on transcript NM_177965.4 (MANE Select); coding-DNA position 37, G replaced by A.
Protein change: p.Glu13Lys; replaces glutamic acid 13 with lysine.
Molecular consequence: missense variant.
Genome position (GRCh38, 1-based): chr8:95,269,153, C>T on the plus strand (G>A on the coding strand, the complement: CFAP418 is on the minus strand). VCF-style: chr8-95269153-C-T. GRCh37 (hg19) VCF-style: chr8-96281381-C-T.
Other names: c.37G>A, p.Glu13Lys (NM_001363260.1); short protein forms E13K.
Identifiers: ClinVar variation 1681157 (VCV001681157.8), dbSNP rs758143646, ClinGen allele CA4815293.